The following is an entry in ClinVar:

NM_002878.4(RAD51D):c.273A>G (p.Lys91=)

Genes: RAD51D (RAD51 paralog D; minus strand), RAD51L3-RFFL (RAD51L3-RFFL readthrough; minus strand). Cytogenetic location: 17q12.
Variant type: single nucleotide variant.
Coding change: c.273A>G on transcript NM_002878.4 (MANE Select); coding-DNA position 273, A replaced by G.
Protein change: p.Lys91=; no amino-acid change (lysine 91 retained).
Molecular consequence: synonymous variant. On other transcripts: non-coding transcript variant (2), intron variant (1).
Genome position (GRCh38, 1-based): chr17:35,107,438, T>C on the plus strand (A>G on the coding strand, the complement: RAD51D is on the minus strand). VCF-style: chr17-35107438-T-C. GRCh37 (hg19) VCF-style: chr17-33434457-T-C.
Other names: c.333A>G, p.Lys111= (NM_001142571.2); c.145-957A>G (NM_133629.3).
Identifiers: ClinVar variation 2563037 (VCV002563037.3), dbSNP rs2142437348, ClinGen allele CA499731914.
Genomic context (GRCh38, chr17:35,107,438, plus strand): 5'-GCTACCTGGGCCTCCTACAATTTCAGTCACTTCTCCAGTATAGAGACCAGCATCAAGCAG[T>C]TTATCAAGACTGATGGCAGAAGAGAAGAAAATCAACACAAGAGGTTAGGAGGAAGACAGG-3'
Protein context (NP_002869.3, residues 81-101): ILSTGIGSLD[Lys91=]LLDAGLYTGE

ClinVar aggregate classification (germline): Benign/Likely benign. Review status: criteria provided, multiple submitters, no conflicts (2 of 4 stars). 2 submissions from 2 submitters: Benign (1); Likely benign (1). Last evaluated 2025-02-20.

Conditions:
Breast-ovarian cancer, familial, susceptibility to, 4. Identifiers: Orphanet 145, MedGen C3280345, MONDO:0013669, OMIM 614291.
Hereditary cancer-predisposing syndrome. Also called: Neoplastic Syndromes, Hereditary; Hereditary Cancer Syndrome; Hereditary neoplastic syndrome; Tumor predisposition. Identifiers: Orphanet 140162, MedGen C0027672, MeSH D009386, MONDO:0015356.

Submissions (2):

Myriad Genetics, Inc.
Classification: Benign for Breast-ovarian cancer, familial, susceptibility to, 4. Last evaluated: 2025-02-20. Review status: criteria provided, single submitter. Criteria: Myriad Autosomal Dominant, Autosomal Recessive and X-Linked Classification Criteria (2023). Collection method: clinical testing. Allele origin: unknown.
Comment: This variant is considered benign. This variant is a silent/synonymous amino acid change and it is not expected to impact splicing.

Ambry Genetics
Classification: Likely benign for Hereditary cancer-predisposing syndrome. Last evaluated: 2023-05-09. Review status: criteria provided, single submitter. Criteria: Ambry Variant Classification Scheme 2023. Collection method: clinical testing. Allele origin: germline.